The following is an entry in ClinVar:

ClinVar aggregate classification (germline): Uncertain significance. Review status: criteria provided, multiple submitters, no conflicts (2 of 4 stars). 3 submissions from 3 submitters: Uncertain significance (3). Last evaluated 2025-10-26.

Conditions:
Familial thoracic aortic aneurysm and aortic dissection (TAAD). Also called: Thoracic aortic aneurysms and dissections. Identifiers: Orphanet 91387, MedGen C4707243, MONDO:0019625.

Allele frequency attached by ClinVar (database versions not stated): gnomAD exomes below 0.00001.
gnomAD v4.1: 2 of 1,614,184 alleles (0.00012%); highest among the groups gnomAD compares: Non-Finnish European, 0.00017%; no homozygotes.

Submissions (3):

Labcorp Genetics (formerly Invitae), Labcorp
Classification: Uncertain significance for Familial thoracic aortic aneurysm and aortic dissection. Last evaluated: 2025-10-26. Review status: criteria provided, single submitter. Criteria: Invitae Variant Classification Sherloc (09022015). Collection method: clinical testing. Allele origin: germline.
Comment: This sequence change replaces glutamine, which is neutral and polar, with histidine, which is basic and polar, at codon 265 of the TGFBR2 protein (p.Gln265His). This variant is not present in population databases (gnomAD no frequency). This variant has not been reported in the literature in individuals affected with TGFBR2-related conditions. ClinVar contains an entry for this variant (Variation ID: 2626270). Invitae Evidence Modeling of protein sequence and biophysical properties (such as structural, functional, and spatial information, amino acid conservation, physicochemical variation, residue mobility, and thermodynamic stability) indicates that this missense variant is not expected to disrupt TGFBR2 protein function with a negative predictive value of 95%. In summary, the available evidence is currently insufficient to determine the role of this variant in disease. Therefore, it has been classified as a Variant of Uncertain Significance.

GeneDx
Classification: Uncertain significance. Last evaluated: 2025-07-14. Review status: criteria provided, single submitter. Criteria: GeneDx Variant Classification Process June 2021. Collection method: clinical testing. Allele origin: germline. Affected: yes.
Comment: Not observed at significant frequency in large population cohorts (gnomAD); In silico analysis suggests that this missense variant does not alter protein structure/function; Has not been previously published as pathogenic or benign to our knowledge

Ambry Genetics
Classification: Uncertain significance for Familial thoracic aortic aneurysm and aortic dissection. Last evaluated: 2023-06-22. Review status: criteria provided, single submitter. Criteria: Ambry Variant Classification Scheme 2023. Collection method: clinical testing. Allele origin: germline.
Comment: The p.Q265H variant (also known as c.795G>C), located in coding exon 4 of the TGFBR2 gene, results from a G to C substitution at nucleotide position 795. The glutamine at codon 265 is replaced by histidine, an amino acid with highly similar properties. This amino acid position is conserved. In addition, this alteration is predicted to be tolerated by in silico analysis. Since supporting evidence is limited at this time, the clinical significance of this alteration remains unclear.

NM_003242.6(TGFBR2):c.795G>C (p.Gln265His)

Gene: TGFBR2 (transforming growth factor beta receptor 2; plus strand). Cytogenetic location: 3p24.1.
Variant type: single nucleotide variant.
Coding change: c.795G>C on transcript NM_003242.6 (MANE Select); coding-DNA position 795, G replaced by C.
Protein change: p.Gln265His; replaces glutamine 265 with histidine.
Molecular consequence: missense variant. On other transcripts: intron variant (1).
Genome position (GRCh38, 1-based): chr3:30,671,978, G>C. VCF-style: chr3-30671978-G-C. GRCh37 (hg19) VCF-style: chr3-30713470-G-C.
Other names: c.870G>C, p.Gln290His (NM_001024847.3); c.978G>C, p.Gln326His (NM_001407126.1); c.903G>C, p.Gln301His (NM_001407127.1); c.822G>C, p.Gln274His (NM_001407128.1); c.798G>C, p.Gln266His (NM_001407129.1); c.795G>C, p.Gln265His (NM_001407130.1); c.690G>C, p.Gln230His (NM_001407132.1, NM_001407133.1, NM_001407134.1 and 2 more transcripts); c.510G>C, p.Gln170His (NM_001407137.1); and 2 more; short protein forms Q145H, Q266H, Q301H, Q290H, Q265H, Q326H, Q170H, Q230H.
Identifiers: ClinVar variation 2626270 (VCV002626270.5), dbSNP rs1412125264, ClinGen allele CA351807885.